The following is an entry in ClinVar:

NC_000017.10:g.(?_7348447)_(7357859_?)dup

Gene: CHRNB1 (cholinergic receptor nicotinic beta 1 subunit; plus strand). Cytogenetic location: 17p13.1.
Variant type: Duplication.
Identifiers: ClinVar variation 1431722 (VCV001431722.4).

ClinVar aggregate classification (germline): Uncertain significance (1 of 4 stars; one submission).

Conditions:
Congenital myasthenic syndrome 2A. Also called: Myasthenic syndrome, congenital, 2a, slow-channel. Identifiers: Orphanet 590, MedGen C4225374, MONDO:0014581, OMIM 616313.

Submission:

Labcorp Genetics (formerly Invitae), Labcorp
Classification: Uncertain significance for Congenital myasthenic syndrome 2A. Last evaluated: 2021-07-07. Review status: criteria provided, single submitter. Criteria: Invitae Variant Classification Sherloc (09022015). Collection method: clinical testing. Allele origin: germline.
Comment: In summary, the available evidence is currently insufficient to determine the role of this variant in disease. Therefore, it has been classified as a Variant of Uncertain Significance. Experimental studies and prediction algorithms are not available or were not evaluated, and the functional significance of this variant is currently unknown. This variant has not been reported in the literature in individuals affected with CHRNB1-related conditions. This variant results in a copy number gain of the genomic region encompassing exon(s) 1-8 of the CHRNB1 gene. This region includes the initiator codon of the gene. The 5' end of this event is unknown as it extends beyond the assayed region for this gene and therefore may encompass additional genes. The 3' boundary is likely confined to intron 8 of the CHRNB1 gene. As the precise location of this event is unknown, it may be in tandem or it may be located elsewhere in the genome.